The following is an entry in ClinVar:

ClinVar aggregate classification (germline): Likely benign. Review status: criteria provided, multiple submitters, no conflicts (2 of 4 stars). 4 submissions from 4 submitters: Likely benign (4). Last evaluated 2026-07-07.

Conditions:
SMARCA4-related disorder. Also called: SMARCA4-related condition.
Rhabdoid tumor predisposition syndrome 2 (RTPS2). Identifiers: Orphanet 231108, Orphanet 69077, MedGen C2750074, MONDO:0013224, OMIM 613325.

Allele frequency attached by ClinVar (database versions not stated): gnomAD exomes below 0.00001; TOPMed below 0.00001; ExAC 0.00001.

Submissions (4):

Myriad Genetics, Inc.
Classification: Likely benign for Rhabdoid tumor predisposition syndrome 2. Last evaluated: 2026-07-07. Review status: criteria provided, single submitter. Criteria: Myriad Autosomal Dominant, Autosomal Recessive and X-Linked Classification Criteria (2023). Collection method: clinical testing. Allele origin: unknown.
Comment: This variant is considered likely benign. This variant is intronic and is not expected to impact mRNA splicing.

Labcorp Genetics (formerly Invitae), Labcorp
Classification: Likely benign for Rhabdoid tumor predisposition syndrome 2. Last evaluated: 2025-12-14. Review status: criteria provided, single submitter. Criteria: Invitae Variant Classification Sherloc (09022015). Collection method: clinical testing. Allele origin: germline.

PreventionGenetics, part of Exact Sciences
Classification: Likely benign for SMARCA4-related condition. Last evaluated: 2025-07-21. Review status: criteria provided, single submitter. Criteria: ACMG Guidelines, 2015. Collection method: clinical testing. Allele origin: germline.
Comment: This variant is classified as likely benign based on ACMG/AMP sequence variant interpretation guidelines (Richards et al. 2015 PMID: 25741868, with internal and published modifications).

Laboratory of Genetics, Children's Clinical University Hospital Latvia
Classification: Likely benign. Last evaluated: 2025-02-16. Review status: criteria provided, single submitter. Criteria: ACMG Guidelines, 2015. Collection method: clinical testing. Allele origin: germline. Affected: yes.

NM_003072.5(SMARCA4):c.3547-7C>T

Gene: SMARCA4 (SWI/SNF related BAF chromatin remodeling complex subunit ATPase 4; plus strand). Cytogenetic location: 19p13.2.
Variant type: single nucleotide variant.
Coding change: c.3547-7C>T on transcript NM_003072.5 (MANE Select); 7 bases into the intron before coding-DNA position 3547, C replaced by T.
Molecular consequence: intron variant.
Genome position (GRCh38, 1-based): chr19:11,033,283, C>T. VCF-style: chr19-11033283-C-T. GRCh37 (hg19) VCF-style: chr19-11143959-C-T.
Other names: c.3547-7C>T (NM_001128844.3, NM_001128849.3, NM_001128847.4 and 5 more transcripts).
Identifiers: ClinVar variation 537878 (VCV000537878.14), dbSNP rs750594452, ClinGen allele CA9204467.
Genomic context (GRCh38, chr19:11,033,283, plus strand): 5'-CAGAGGCCACCTTCCCTTTTATGACCTCCTGGGCTCCTTTGGGACTGACTGGCACCTCTT[C>T]CCCCAGGACCTGCAAGCGCAGGACCGAGCCCACCGCATCGGGCAGCAGAACGAGGTGCGT-3'